The following is an entry in ClinVar:

ClinVar aggregate classification (germline): Uncertain significance (1 of 4 stars; one submission).

Submission:

Labcorp Genetics (formerly Invitae), Labcorp
Classification: Uncertain significance. Last evaluated: 2024-12-31. Review status: criteria provided, single submitter. Criteria: Invitae Variant Classification Sherloc (09022015). Collection method: clinical testing. Allele origin: germline.
Comment: This sequence change replaces alanine, which is neutral and non-polar, with valine, which is neutral and non-polar, at codon 211 of the IRF2BP2 protein (p.Ala211Val). This variant is present in population databases (no rsID available, gnomAD 0.01%). This variant has not been reported in the literature in individuals affected with IRF2BP2-related conditions. An algorithm developed to predict the effect of missense changes on protein structure and function (PolyPhen-2) suggests that this variant is likely to be disruptive. In summary, the available evidence is currently insufficient to determine the role of this variant in disease. Therefore, it has been classified as a Variant of Uncertain Significance.

NM_182972.3(IRF2BP2):c.632C>T (p.Ala211Val)

Genes: IRF2BP2 (interferon regulatory factor 2 binding protein 2; minus strand), LOC129932811 (ATAC-STARR-seq lymphoblastoid silent region 1976; plus strand). Cytogenetic location: 1q42.3.
Variant type: single nucleotide variant.
Coding change: c.632C>T on transcript NM_182972.3 (MANE Select); coding-DNA position 632, C replaced by T.
Protein change: p.Ala211Val; replaces alanine 211 with valine.
Molecular consequence: missense variant.
Genome position (GRCh38, 1-based): chr1:234,608,863, G>A on the plus strand (C>T on the coding strand, the complement: IRF2BP2 is on the minus strand). VCF-style: chr1-234608863-G-A. GRCh37 (hg19) VCF-style: chr1-234744609-G-A.
Other names: c.632C>T, p.Ala211Val (NM_001077397.1); short protein forms A211V.
Identifiers: ClinVar variation 3714208 (VCV003714208.2).